The following is an entry in ClinVar:

ClinVar aggregate classification (germline): Uncertain significance. Review status: criteria provided, single submitter (1 of 4 stars). 2 submissions from 2 submitters: Uncertain significance (1). 1 of the submissions does not count toward it. Last evaluated 2025-06-22.

Conditions:
Microcephaly. Also called: Microcephaly (disease). Identifiers: MedGen C4551563, MONDO:0001149, HP:0000252.

Allele frequency attached by ClinVar (database versions not stated): gnomAD 0.00001; TOPMed 0.00001; ExAC 0.00002; gnomAD exomes 0.00002.
gnomAD v4.1: 16 of 1,613,926 alleles (0.00099%); highest among the groups gnomAD compares: East Asian, 0.036%; no homozygotes.

Submissions (2):

Labcorp Genetics (formerly Invitae), Labcorp
Classification: Uncertain significance. Last evaluated: 2025-06-22. Review status: criteria provided, single submitter. Criteria: Invitae Variant Classification Sherloc (09022015). Collection method: clinical testing. Allele origin: germline.
Comment: This sequence change replaces proline, which is neutral and non-polar, with serine, which is neutral and polar, at codon 1427 of the ASXL1 protein (p.Pro1427Ser). This variant is present in population databases (rs764162507, gnomAD 0.02%). This variant has not been reported in the literature in individuals affected with ASXL1-related conditions. ClinVar contains an entry for this variant (Variation ID: 813581). An algorithm developed to predict the effect of missense changes on protein structure and function (PolyPhen-2) suggests that this variant is likely to be disruptive. In summary, the available evidence is currently insufficient to determine the role of this variant in disease. Therefore, it has been classified as a Variant of Uncertain Significance.

Department of Pediatrics, Samsung Medical Center, Samsung Medical Center
Classification: Uncertain significance for Microcephaly. Review status: no assertion criteria provided. Criteria: ACMG Guidelines, 2015. Collection method: research. Allele origin: germline. Affected: yes. Not counted in ClinVar's aggregate classification.

NM_015338.6(ASXL1):c.4279C>T (p.Pro1427Ser)

Gene: ASXL1 (ASXL transcriptional regulator 1; plus strand). Cytogenetic location: 20q11.21.
Variant type: single nucleotide variant.
Coding change: c.4279C>T on transcript NM_015338.6 (MANE Select); coding-DNA position 4279, C replaced by T.
Protein change: p.Pro1427Ser; replaces proline 1427 with serine.
Molecular consequence: missense variant.
Genome position (GRCh38, 1-based): chr20:32,436,991, C>T. VCF-style: chr20-32436991-C-T. GRCh37 (hg19) VCF-style: chr20-31024794-C-T.
Other names: c.4096C>T, p.Pro1366Ser (NM_001363734.1); short protein forms P1427S, P1366S.
Identifiers: ClinVar variation 813581 (VCV000813581.2), dbSNP rs764162507, ClinGen allele CA9809002.